The following is an entry in ClinVar:

ClinVar aggregate classification (germline): Benign. Review status: criteria provided, multiple submitters, no conflicts (2 of 4 stars). 3 submissions from 3 submitters: Benign (2). 1 of the submissions does not count toward it. Last evaluated 2025-11-02.

Conditions:
Moyamoya disease 2 (MYMY2). Also called: MOYAMOYA DISEASE 2, SUSCEPTIBILITY TO. Identifiers: Orphanet 2573, MedGen C1846689, MONDO:0011784, OMIM 607151.

Allele frequency attached by ClinVar (database versions not stated): ESP Exome Variant Server 0.00015; 1000 Genomes Project 30x 0.00016; 1000 Genomes Project 0.00020; TOPMed 0.00035; gnomAD exomes 0.00137 and 0.00234; gnomAD 0.00173 and 0.00187; ExAC 0.00260.
gnomAD v4.1: 2,197 of 1,577,388 alleles (0.14%); highest among the groups gnomAD compares: Non-Finnish European, 0.089%; 11 homozygotes.

Submissions (3):

Labcorp Genetics (formerly Invitae), Labcorp
Classification: Benign. Last evaluated: 2025-11-02. Review status: criteria provided, single submitter. Criteria: Invitae Variant Classification Sherloc (09022015). Collection method: clinical testing. Allele origin: germline.

Mayo Clinic Laboratories, Mayo Clinic
Classification: Benign. Last evaluated: 2024-12-26. Review status: criteria provided, single submitter. Criteria: ACMG Guidelines, 2015. Collection method: clinical testing. Allele origin: germline. Observed: 1 variant allele.
Comment: BS1, BS2, BP4_moderate

UMR-S1161, Institut national de la santé et de la recherche médicale
Classification: Uncertain significance for Moyamoya disease 2. Last evaluated: 2017-03-03. Review status: no assertion criteria provided. Collection method: research. Allele origin: unknown. Affected: yes. Study: Rare RNF213 variants in Caucasian moyamoya patients. Not counted in ClinVar's aggregate classification.

Literature cited by the submitters: PubMed 30922903 (cited by Mayo Clinic Laboratories, Mayo Clinic); PubMed 32686731 (cited by Mayo Clinic Laboratories, Mayo Clinic).

NM_001256071.3(RNF213):c.352T>C (p.Cys118Arg)

Gene: RNF213 (ring finger protein 213; plus strand). Cytogenetic location: 17q25.3.
Variant type: single nucleotide variant.
Coding change: c.352T>C on transcript NM_001256071.3 (MANE Select); coding-DNA position 352, T replaced by C.
Protein change: p.Cys118Arg; replaces cysteine 118 with arginine.
Molecular consequence: missense variant.
Genome position (GRCh38, 1-based): chr17:80,287,905, T>C. VCF-style: chr17-80287905-T-C. GRCh37 (hg19) VCF-style: chr17-78261704-T-C.
Other names: p.Cys118Arg; c.352T>C, p.Cys118Arg (NM_020954.4); short protein forms C118R.
Identifiers: ClinVar variation 417835 (VCV000417835.11), dbSNP rs201620985, ClinGen allele CA8819233.
Genomic context (GRCh38, chr17:80,287,905, plus strand): 5'-AAGGGGAACAAGTCCGCTTCCTCAGAGCTGGCTTCCTTGCCCCTTTCTCCTGCCAGCCCC[T>C]GTCACCTGACTTTGCTTTCAAACCCGTGGCCTCAGGACACAGCCCTGCCCCACAGCCAAG-3'
Protein context (NP_001243000.2, residues 108-128): ASLPLSPASP[Cys118Arg]HLTLLSNPWP